The following is an entry in ClinVar:

ClinVar aggregate classification (germline): Benign (1 of 4 stars; one submission).

Submission:

CeGaT Center for Human Genetics Tuebingen
Classification: Benign. Last evaluated: 2026-09-01. Review status: criteria provided, single submitter. Criteria: CeGaT Center For Human Genetics Tuebingen Variant Classification Criteria Version 2. Collection method: clinical testing. Allele origin: germline. Affected: yes. Observed: 18 variant alleles.
Comment: KCNQ1OT1: BS1, BS2; KCNQ1: BS1, BS2

NM_000218.3(KCNQ1):c.1393+31358_1393+31359insATT

Genes: KCNQ1 (potassium voltage-gated channel subfamily Q member 1; plus strand), KCNQ1OT1 (KCNQ1 opposite strand/antisense transcript 1; minus strand). Cytogenetic location: 11p15.5.
Variant type: Insertion.
Coding change: c.1393+31358_1393+31359insATT on transcript NM_000218.3 (MANE Select); bases 31358 to 31359 of the intron after coding-DNA position 1393, ATT inserted.
Molecular consequence: intron variant.
Genome position: GRCh38 VCF-style: chr11-2620211-A-ATAT. GRCh37 (hg19) VCF-style: chr11-2641441-A-ATAT.
Other names: c.1123+31358_1123+31359insATT (NM_001406837.1); c.1297+31358_1297+31359insATT (NM_001406836.1); c.853+31358_853+31359insATT (NM_001406838.1); c.1012+31358_1012+31359insATT (NM_181798.2).
Identifiers: ClinVar variation 1879167 (VCV001879167.29), dbSNP rs1383035176, ClinGen allele CA675034984.